The following is an entry in ClinVar:

ClinVar aggregate classification (germline): Uncertain significance. Review status: criteria provided, multiple submitters, no conflicts (2 of 4 stars). 2 submissions from 2 submitters: Uncertain significance (2). Last evaluated 2026-07-03.

Conditions:
Inborn genetic diseases. Identifiers: MedGen C0950123, MeSH D030342.

Allele frequency attached by ClinVar (database versions not stated): gnomAD exomes below 0.00001 and 0.00001; TOPMed below 0.00001; ExAC 0.00002.
gnomAD v4.1: 1 of 1,546,144 alleles (0.000065%); highest among the groups gnomAD compares: South Asian, 0.0012%; no homozygotes.

Submissions (2):

Ambry Genetics
Classification: Uncertain significance for Inborn genetic diseases. Last evaluated: 2026-07-03. Review status: criteria provided, single submitter. Criteria: Ambry Variant Classification Scheme 2023. Collection method: clinical testing. Allele origin: germline.
Comment: The c.29A>G (p.N10S) alteration is located in exon 2 (coding exon 1) of the MRAS gene. This alteration results from a A to G substitution at nucleotide position 29, causing the asparagine (N) at amino acid position 10 to be replaced by a serine (S). Based on data from gnomAD, the G allele has an overall frequency of 0.001% (2/191774) total alleles studied. The highest observed frequency was 0.009% (1/10960) of East Asian alleles. Based on insufficient or conflicting evidence, the clinical significance of this alteration remains unclear.

Labcorp Genetics (formerly Invitae), Labcorp
Classification: Uncertain significance. Last evaluated: 2023-10-08. Review status: criteria provided, single submitter. Criteria: Invitae Variant Classification Sherloc (09022015). Collection method: clinical testing. Allele origin: germline.
Comment: This sequence change replaces asparagine, which is neutral and polar, with serine, which is neutral and polar, at codon 10 of the MRAS protein (p.Asn10Ser). This variant is present in population databases (rs757673646, gnomAD 0.01%). This variant has not been reported in the literature in individuals affected with MRAS-related conditions. ClinVar contains an entry for this variant (Variation ID: 1483022). An algorithm developed to predict the effect of missense changes on protein structure and function (PolyPhen-2) suggests that this variant is likely to be tolerated. In summary, the available evidence is currently insufficient to determine the role of this variant in disease. Therefore, it has been classified as a Variant of Uncertain Significance.

NM_001085049.3(MRAS):c.29A>G (p.Asn10Ser)

Gene: MRAS (muscle RAS oncogene homolog; plus strand). Cytogenetic location: 3q22.3.
Variant type: single nucleotide variant.
Coding change: c.29A>G on transcript NM_001085049.3 (MANE Select); coding-DNA position 29, A replaced by G.
Protein change: p.Asn10Ser; replaces asparagine 10 with serine.
Molecular consequence: missense variant. On other transcripts: intron variant (3).
Genome position (GRCh38, 1-based): chr3:138,372,912, A>G. VCF-style: chr3-138372912-A-G. GRCh37 (hg19) VCF-style: chr3-138091754-A-G.
Other names: c.29A>G (NM_012219.3); c.29A>G, p.Asn10Ser (NM_001252090.2, NM_012219.4); c.-35-24412A>G (NM_001252091.1); c.-36+24145A>G (NM_001252093.2); c.-36+23880A>G (NM_001252092.2); short protein forms N10S.
Identifiers: ClinVar variation 1483022 (VCV001483022.8), dbSNP rs757673646, ClinGen allele CA2636919.